The following is an entry in ClinVar:

NM_205836.3(FBXO38):c.885_886delinsAT (p.His296Tyr)

Gene: FBXO38 (F-box protein 38; plus strand). Cytogenetic location: 5q32.
Variant type: Indel.
Coding change: c.885_886delinsAT on transcript NM_205836.3 (MANE Select); coding-DNA positions 885 to 886, GC replaced by AT.
Protein change: p.His296Tyr; replaces histidine 296 with tyrosine.
Molecular consequence: missense variant.
Genome position (GRCh38, 1-based): chr5:148,409,140-148,409,141, GC replaced by AT. VCF-style: chr5-148409140-GC-AT. GRCh37 (hg19) VCF-style: chr5-147788703-GC-AT.
Other names: c.885_886delinsAT, p.His296Tyr (NM_001271723.2, NM_030793.5); short protein forms H296Y.
Identifiers: ClinVar variation 4697434 (VCV004697434.1).

ClinVar aggregate classification (germline): Uncertain significance (1 of 4 stars; one submission).

Conditions:
Distal hereditary motor neuropathy type 2. Identifiers: Orphanet 139525, MedGen C3711384, MeSH C580044, MONDO:0015352.

Submission:

Labcorp Genetics (formerly Invitae), Labcorp
Classification: Uncertain significance for Distal hereditary motor neuropathy type 2. Last evaluated: 2025-10-01. Review status: criteria provided, single submitter. Criteria: Invitae Variant Classification Sherloc (09022015). Collection method: clinical testing. Allele origin: germline.
Comment: This sequence change replaces histidine, which is basic and polar, with tyrosine, which is neutral and polar, at codon 296 of the FBXO38 protein (p.His296Tyr). Information on the frequency of this variant in the gnomAD database is not available, as this variant may be reported differently in the database. This variant has not been reported in the literature in individuals affected with FBXO38-related conditions. Experimental studies and prediction algorithms are not available or were not evaluated, and the functional significance of this variant is currently unknown. In summary, the available evidence is currently insufficient to determine the role of this variant in disease. Therefore, it has been classified as a Variant of Uncertain Significance.